The following is an entry in ClinVar:

NM_000059.4(BRCA2):c.3607A>G (p.Ser1203Gly)

Gene: BRCA2 (BRCA2 DNA repair associated; plus strand). Cytogenetic location: 13q13.1.
Variant type: single nucleotide variant.
Coding change: c.3607A>G on transcript NM_000059.4 (MANE Select); coding-DNA position 3607, A replaced by G.
Protein change: p.Ser1203Gly; replaces serine 1203 with glycine.
Molecular consequence: missense variant. On other transcripts: non-coding transcript variant (1), intron variant (2).
Genome position (GRCh38, 1-based): chr13:32,337,962, A>G. VCF-style: chr13-32337962-A-G. GRCh37 (hg19) VCF-style: chr13-32912099-A-G.
Other names: c.3607A>G, p.Ser1203Gly (NM_001406719.1, NM_001406720.1, NM_001432077.1); c.1909+4575A>G (NM_001406721.1); c.425-6596A>G (NM_001406722.1); short protein forms S1203G.
Identifiers: ClinVar variation 4795581 (VCV004795581.1).

ClinVar aggregate classification (germline): Uncertain significance (1 of 4 stars; one submission).

Submission:

GeneDx
Classification: Uncertain significance. Last evaluated: 2025-08-10. Review status: criteria provided, single submitter. Criteria: GeneDx Variant Classification Process June 2021. Collection method: clinical testing. Allele origin: germline. Affected: yes.
Comment: Not observed at significant frequency in large population cohorts (gnomAD); In silico analysis supports that this missense variant has a deleterious effect on protein structure/function; Has not been previously published as pathogenic or benign to our knowledge; Also known as 3835A>G